The following is an entry in ClinVar:

ClinVar aggregate classification (germline): Uncertain significance (1 of 4 stars; one submission).

Conditions:
Charcot-Marie-Tooth disease type 4. Also called: Charcot-Marie-Tooth disease, type IV; Charcot-Marie-Tooth, Type 4. Identifiers: Orphanet 64749, MedGen C4082197, MONDO:0018995.

Allele frequency attached by ClinVar (database versions not stated): gnomAD exomes below 0.00001.
gnomAD v4.1: 1 of 1,612,982 alleles (0.000062%); highest among the groups gnomAD compares: Non-Finnish European, 0.000085%; no homozygotes.

Submission:

Labcorp Genetics (formerly Invitae), Labcorp
Classification: Uncertain significance for Charcot-Marie-Tooth disease type 4. Last evaluated: 2022-10-17. Review status: criteria provided, single submitter. Criteria: Invitae Variant Classification Sherloc (09022015). Collection method: clinical testing. Allele origin: germline.
Comment: This sequence change replaces glutamine, which is neutral and polar, with arginine, which is basic and polar, at codon 366 of the FIG4 protein (p.Gln366Arg). In summary, the available evidence is currently insufficient to determine the role of this variant in disease. Therefore, it has been classified as a Variant of Uncertain Significance. Algorithms developed to predict the effect of missense changes on protein structure and function (SIFT, PolyPhen-2, Align-GVGD) all suggest that this variant is likely to be tolerated. This variant has not been reported in the literature in individuals affected with FIG4-related conditions. This variant is not present in population databases (gnomAD no frequency).

NM_014845.6(FIG4):c.1097A>G (p.Gln366Arg)

Gene: FIG4 (FIG4 phosphoinositide 5-phosphatase; plus strand). Cytogenetic location: 6q21.
Variant type: single nucleotide variant.
Coding change: c.1097A>G on transcript NM_014845.6 (MANE Select); coding-DNA position 1097, A replaced by G.
Protein change: p.Gln366Arg; replaces glutamine 366 with arginine.
Molecular consequence: missense variant.
Genome position (GRCh38, 1-based): chr6:109,743,732, A>G. VCF-style: chr6-109743732-A-G. GRCh37 (hg19) VCF-style: chr6-110064935-A-G.
Other names: short protein forms Q366R.
Identifiers: ClinVar variation 1713369 (VCV001713369.5), dbSNP rs2486137707, ClinGen allele CA365222404.